The following is an entry in ClinVar:

ClinVar aggregate classification (germline): Uncertain significance. Review status: criteria provided, multiple submitters, no conflicts (2 of 4 stars). 2 submissions from 2 submitters: Uncertain significance (2). Last evaluated 2026-03-18.

Conditions:
SETX-related disorder. Also called: SETX-related condition; SETX-related disorders. Identifiers: MedGen CN239403.

Allele frequency attached by ClinVar (database versions not stated): ExAC 0.00001; gnomAD exomes 0.00001; TOPMed 0.00001.

Submissions (2):

PreventionGenetics, part of Exact Sciences
Classification: Uncertain significance for SETX-related condition. Last evaluated: 2026-03-18. Review status: criteria provided, single submitter. Criteria: ACMG Guidelines, 2015. Collection method: clinical testing. Allele origin: germline.
Comment: The SETX c.4048A>G variant is predicted to result in the amino acid substitution p.Met1350Val. To our knowledge, this variant has not been reported in the literature. This variant is reported in 0.0029% of alleles in individuals of Latino descent in gnomAD. At this time, the clinical significance of this variant is uncertain due to the absence of conclusive functional and genetic evidence.

ARUP Laboratories, Molecular Genetics and Genomics, ARUP Laboratories
Classification: Uncertain significance. Last evaluated: 2022-03-18. Review status: criteria provided, single submitter. Criteria: ARUP Molecular Germline Variant Investigation Process 2021. Collection method: clinical testing. Allele origin: germline.
Comment: The SETX c.4048A>G; p.Met1350Val variant (rs769666635), to our knowledge, is not reported in the medical literature or gene specific databases. This variant is only observed on two chromosomes (2/251310 alleles) in the Genome Aggregation Database, indicating it is not a common polymorphism. The methionine at codon 1350 is weakly conserved, and computational analyses are uncertain whether this variant is neutral or deleterious (REVEL: 0.173). Due to limited information, the clinical significance of the p.Met1350Val variant is uncertain at this time.

NM_015046.7(SETX):c.4048A>G (p.Met1350Val)

Gene: SETX (senataxin; minus strand). Cytogenetic location: 9q34.13.
Variant type: single nucleotide variant.
Coding change: c.4048A>G on transcript NM_015046.7 (MANE Select); coding-DNA position 4048, A replaced by G.
Protein change: p.Met1350Val; replaces methionine 1350 with valine.
Molecular consequence: missense variant.
Genome position (GRCh38, 1-based): chr9:132,327,550, T>C on the plus strand (A>G on the coding strand, the complement: SETX is on the minus strand). VCF-style: chr9-132327550-T-C. GRCh37 (hg19) VCF-style: chr9-135202937-T-C.
Other names: c.4048A>G, p.Met1350Val (NM_001351527.2, NM_001351528.2); short protein forms M1350V.
Identifiers: ClinVar variation 2428507 (VCV002428507.4), dbSNP rs769666635, ClinGen allele CA5297278.